The following is an entry in ClinVar:

NM_001130965.3(SUN1):c.1010A>C (p.Asp337Ala)

Gene: SUN1 (Sad1 and UNC84 domain containing 1; plus strand). Cytogenetic location: 7p22.3.
Variant type: single nucleotide variant.
Coding change: c.1010A>C on transcript NM_001130965.3 (MANE Select); coding-DNA position 1010, A replaced by C.
Protein change: p.Asp337Ala; replaces aspartic acid 337 with alanine.
Molecular consequence: missense variant. On other transcripts: non-coding transcript variant (3).
Genome position (GRCh38, 1-based): chr7:852,909, A>C. VCF-style: chr7-852909-A-C. GRCh37 (hg19) VCF-style: chr7-892546-A-C.
Other names: c.1010A>C (NM_001130965.2); c.701A>C, p.Asp234Ala (NM_001171944.2); c.1010A>C, p.Asp337Ala (NM_001367633.1, NM_001367634.1, NM_001367672.1 and 1 more transcripts); c.659A>C, p.Asp220Ala (NM_001367635.1); c.1250A>C, p.Asp417Ala (NM_001367636.1, NM_001367691.1); c.1118A>C, p.Asp373Ala (NM_001367638.1); c.551A>C, p.Asp184Ala (NM_001367639.1); c.1190A>C, p.Asp397Ala (NM_001367640.1); and 39 more; short protein forms D281A, D324A, D332A, D337A, D341A, D403A, D407A, D418A.
Identifiers: ClinVar variation 2042171 (VCV002042171.5), dbSNP rs913617662, ClinGen allele CA152352154.

ClinVar aggregate classification (germline): Uncertain significance. Review status: criteria provided, multiple submitters, no conflicts (2 of 4 stars). 2 submissions from 2 submitters: Uncertain significance (2). Last evaluated 2024-11-14.

Conditions:
Emery-Dreifuss muscular dystrophy (EDMD). Also called: Scapuloperoneal syndrome, X-linked (formerly); Humeroperoneal neuromuscular disease, (formerly). Identifiers: Orphanet 261, MedGen C0410189, MONDO:0016830.

Allele frequency attached by ClinVar (database versions not stated): gnomAD 0.00004; TOPMed 0.00005.
gnomAD v4.1: 8 of 1,613,950 alleles (0.0005%); highest among the groups gnomAD compares: Admixed American, 0.012%; no homozygotes.

Submissions (2):

Ambry Genetics
Classification: Uncertain significance. Last evaluated: 2024-11-14. Review status: criteria provided, single submitter. Criteria: Ambry Variant Classification Scheme 2023. Collection method: clinical testing. Allele origin: germline.

Labcorp Genetics (formerly Invitae), Labcorp
Classification: Uncertain significance for Emery-Dreifuss muscular dystrophy. Last evaluated: 2022-05-05. Review status: criteria provided, single submitter. Criteria: Invitae Variant Classification Sherloc (09022015). Collection method: clinical testing. Allele origin: germline.
Comment: In summary, the available evidence is currently insufficient to determine the role of this variant in disease. Therefore, it has been classified as a Variant of Uncertain Significance. Algorithms developed to predict the effect of missense changes on protein structure and function (SIFT, PolyPhen-2, Align-GVGD) all suggest that this variant is likely to be tolerated. This variant has not been reported in the literature in individuals affected with SUN1-related conditions. This variant is not present in population databases (gnomAD no frequency). This sequence change replaces aspartic acid, which is acidic and polar, with alanine, which is neutral and non-polar, at codon 337 of the SUN1 protein (p.Asp337Ala).